The following is an entry in ClinVar:

NM_024675.4(PALB2):c.404C>T (p.Pro135Leu)

Gene: PALB2 (partner and localizer of BRCA2; minus strand). Cytogenetic location: 16p12.2.
Variant type: single nucleotide variant.
Coding change: c.404C>T on transcript NM_024675.4 (MANE Select); coding-DNA position 404, C replaced by T.
Protein change: p.Pro135Leu; replaces proline 135 with leucine.
Molecular consequence: missense variant.
Genome position (GRCh38, 1-based): chr16:23,636,142, G>A on the plus strand (C>T on the coding strand, the complement: PALB2 is on the minus strand). VCF-style: chr16-23636142-G-A. GRCh37 (hg19) VCF-style: chr16-23647463-G-A.
Other names: short protein forms P135L.
Identifiers: ClinVar variation 824537 (VCV000824537.13), dbSNP rs1597099361, ClinGen allele CA395137389.

ClinVar aggregate classification (germline): Uncertain significance. Review status: criteria provided, multiple submitters, no conflicts (2 of 4 stars). 2 submissions from 2 submitters: Uncertain significance (2). Last evaluated 2024-01-02.

Conditions:
Hereditary cancer-predisposing syndrome. Also called: Neoplastic Syndromes, Hereditary; Tumor predisposition; Hereditary neoplastic syndrome; Hereditary Cancer Syndrome. Identifiers: Orphanet 140162, MedGen C0027672, MeSH D009386, MONDO:0015356.
Familial cancer of breast. Also called: BREAST CANCER, FAMILIAL; Hereditary breast cancer; hereditary breast carcinoma. Identifiers: Orphanet 227535, MedGen C0346153, MONDO:0016419, OMIM 114480. Disease mechanism: loss of function.

Allele frequency attached by ClinVar (database versions not stated): gnomAD exomes below 0.00001.
gnomAD v4.1: 1 of 1,613,080 alleles (0.000062%); highest among the groups gnomAD compares: Non-Finnish European, 0.000085%; no homozygotes.

Submissions (2):

Labcorp Genetics (formerly Invitae), Labcorp
Classification: Uncertain significance for Familial cancer of breast. Last evaluated: 2024-01-02. Review status: criteria provided, single submitter. Criteria: Invitae Variant Classification Sherloc (09022015). Collection method: clinical testing. Allele origin: germline.
Comment: This sequence change replaces proline, which is neutral and non-polar, with leucine, which is neutral and non-polar, at codon 135 of the PALB2 protein (p.Pro135Leu). This variant is not present in population databases (gnomAD no frequency). This variant has not been reported in the literature in individuals affected with PALB2-related conditions. ClinVar contains an entry for this variant (Variation ID: 824537). An algorithm developed to predict the effect of missense changes on protein structure and function (PolyPhen-2) suggests that this variant is likely to be disruptive. In summary, the available evidence is currently insufficient to determine the role of this variant in disease. Therefore, it has been classified as a Variant of Uncertain Significance.

Ambry Genetics
Classification: Uncertain significance for Hereditary cancer-predisposing syndrome. Last evaluated: 2017-12-27. Review status: criteria provided, single submitter. Criteria: Ambry Variant Classification Scheme 2023. Collection method: clinical testing. Allele origin: germline.
Comment: The p.P135L variant (also known as c.404C>T), located in coding exon 4 of the PALB2 gene, results from a C to T substitution at nucleotide position 404. The proline at codon 135 is replaced by leucine, an amino acid with similar properties. This amino acid position is well conserved in available vertebrate species. In addition, this alteration is predicted to be tolerated by in silico analysis. Since supporting evidence is limited at this time, the clinical significance of this alteration remains unclear.